The following is an entry in ClinVar:

ClinVar aggregate classification (germline): Benign/Likely benign. Review status: criteria provided, multiple submitters, no conflicts (2 of 4 stars). 5 submissions from 5 submitters: Benign (2); Likely benign (2). 1 of the submissions does not count toward it. Last evaluated 2026-01-25.

Conditions:
Glycogen storage disease, type V (GSD5). Also called: MCARDLE DISEASE; MUSCLE GLYCOGEN PHOSPHORYLASE DEFICIENCY; MYOPHOSPHORYLASE DEFICIENCY; PYGM DEFICIENCY; McArdle type glycogen storage disease. Identifiers: Orphanet 368, MedGen C0017924, MONDO:0009293, OMIM 232600.

Submissions (5):

Labcorp Genetics (formerly Invitae), Labcorp
Classification: Benign for Glycogen storage disease, type V. Last evaluated: 2026-01-25. Review status: criteria provided, single submitter. Criteria: Invitae Variant Classification Sherloc (09022015). Collection method: clinical testing. Allele origin: germline.

Blueprint Genetics
Classification: Likely benign. Last evaluated: 2024-10-23. Review status: criteria provided, single submitter. Criteria: ACMG Guidelines, 2015. Collection method: clinical testing. Allele origin: germline.

GeneDx
Classification: Likely benign. Last evaluated: 2017-07-03. Review status: criteria provided, single submitter. Criteria: GeneDx Variant Classification (06012015). Collection method: clinical testing. Allele origin: germline. Affected: yes.
Comment: This variant is considered likely benign or benign based on one or more of the following criteria: it is a conservative change, it occurs at a poorly conserved position in the protein, it is predicted to be benign by multiple in silico algorithms, and/or has population frequency not consistent with disease.

PreventionGenetics, part of Exact Sciences
Classification: Benign. Review status: criteria provided, single submitter. Criteria: ACMG Guidelines, 2015. Collection method: clinical testing. Allele origin: germline.

Mayo Clinic Laboratories, Mayo Clinic
Classification: Likely benign. Last evaluated: 2017-06-15. Review status: no assertion criteria provided. Collection method: clinical testing. Allele origin: unknown. Not counted in ClinVar's aggregate classification.

NM_005609.4(PYGM):c.1621-19del

Gene: PYGM (glycogen phosphorylase, muscle associated; minus strand). Cytogenetic location: 11q13.1.
Variant type: Deletion.
Coding change: c.1621-19del on transcript NM_005609.4 (MANE Select); 19 bases into the intron before coding-DNA position 1621, one base deleted (T; older notation c.1621-19delT).
Molecular consequence: intron variant.
Genome position (GRCh38, 1-based): chr11:64,752,090, A deleted on the plus strand (T on the coding strand, the reverse complement: PYGM is on the minus strand); the first of 2 consecutive A bases (chr11:64,752,090-64,752,091); deleting either gives the same sequence. VCF-style (leftmost placement, unchanged base first): chr11-64752089-GA-G. GRCh37 (hg19) VCF-style: chr11-64519561-GA-G.
Other names: c.1357-19del (NM_001164716.1).
Identifiers: ClinVar variation 259832 (VCV000259832.13), dbSNP rs571976523, ClinGen allele CA6079790.